The following is an entry in ClinVar:

NM_003483.6(HMGA2):c.249+3_249+6del

Gene: HMGA2 (high mobility group AT-hook 2; plus strand). Cytogenetic location: 12q14.3.
Variant type: Deletion.
Coding change: c.249+3_249+6del on transcript NM_003483.6 (MANE Select); bases 3 to 6 of the intron after coding-DNA position 249, 4 bases deleted (GAGT; older notation c.249+3_249+6delGAGT).
Molecular consequence: splice donor variant.
Genome position (GRCh38, 1-based): chr12:65,838,572-65,838,575, GAGT deleted; deleting any 4 consecutive bases within chr12:65,838,570-65,838,575 gives the same sequence; the c. name uses the placement nearest the transcript's 3' end. VCF-style (leftmost placement, unchanged base first): chr12-65838569-GGTGA-G. GRCh37 (hg19) VCF-style: chr12-66232349-GGTGA-G.
Other names: c.249+3_249+6del (NM_001300918.1, NM_001300919.1, NM_003484.1 and 1 more transcripts).
Identifiers: ClinVar variation 3068339 (VCV003068339.1), dbSNP rs2498945771, ClinGen allele CA2619683110.

ClinVar aggregate classification (germline): Uncertain significance (1 of 4 stars; one submission).

Conditions:
Silver-Russell syndrome 5 (SRS5). Identifiers: MedGen C5394456, MONDO:0020795, OMIM 618908.

Submission:

MVZ Medizinische Genetik Mainz
Classification: Uncertain significance for Silver-Russell syndrome 5. Last evaluated: 2022-01-21. Review status: criteria provided, single submitter. Criteria: UK Practice Guidelines For Variant Classification V4 01 2020. Collection method: clinical testing. Allele origin: germline. Inheritance: Autosomal dominant inheritance. Affected: yes. Observed: 1 variant allele.
Comment: ACMG Criteria: PM2_SUP, PP3